The following is an entry in ClinVar:

ClinVar aggregate classification (germline): Uncertain significance. Review status: criteria provided, multiple submitters, no conflicts (2 of 4 stars). 2 submissions from 2 submitters: Uncertain significance (2). Last evaluated 2026-02-27.

Conditions:
Familial adenomatous polyposis 1 (FAP1). Also called: FAMILIAL ADENOMATOUS POLYPOSIS 1, ATTENUATED; POLYPOSIS, ADENOMATOUS INTESTINAL. Identifiers: MedGen C2713442, MONDO:0021056, OMIM 175100. Disease mechanism: loss of function.
Hereditary cancer-predisposing syndrome. Also called: Hereditary Cancer Syndrome; Neoplastic Syndromes, Hereditary; Tumor predisposition; Hereditary neoplastic syndrome. Identifiers: Orphanet 140162, MedGen C0027672, MeSH D009386, MONDO:0015356.

Submissions (2):

Ambry Genetics
Classification: Uncertain significance for Hereditary cancer-predisposing syndrome. Last evaluated: 2026-02-27. Review status: criteria provided, single submitter. Criteria: Ambry Variant Classification Scheme 2023. Collection method: clinical testing. Allele origin: germline.
Comment: The p.P1319L variant (also known as c.3956C>T), located in coding exon 15 of the APC gene, results from a C to T substitution at nucleotide position 3956. The proline at codon 1319 is replaced by leucine, an amino acid with similar properties. This amino acid position is poorly conserved in available vertebrate species. In addition, in silico predictors for this gene do not accurately predict pathogenicity. Missense variants in APC are not a common cause of disease (Spier I et al. Genet Med. 2024 Feb;26(2):100992). Based on the available evidence, the clinical significance of this variant remains unclear.

Labcorp Genetics (formerly Invitae), Labcorp
Classification: Uncertain significance for Familial adenomatous polyposis 1. Last evaluated: 2024-10-29. Review status: criteria provided, single submitter. Criteria: Invitae Variant Classification Sherloc (09022015). Collection method: clinical testing. Allele origin: germline.
Comment: This sequence change replaces proline, which is neutral and non-polar, with leucine, which is neutral and non-polar, at codon 1319 of the APC protein (p.Pro1319Leu). This variant is not present in population databases (gnomAD no frequency). This variant has not been reported in the literature in individuals affected with APC-related conditions. ClinVar contains an entry for this variant (Variation ID: 1043149). Invitae Evidence Modeling of protein sequence and biophysical properties (such as structural, functional, and spatial information, amino acid conservation, physicochemical variation, residue mobility, and thermodynamic stability) indicates that this missense variant is not expected to disrupt APC protein function with a negative predictive value of 95%. In summary, the available evidence is currently insufficient to determine the role of this variant in disease. Therefore, it has been classified as a Variant of Uncertain Significance.

NM_000038.6(APC):c.3956C>T (p.Pro1319Leu)

Gene: APC (APC regulator of Wnt signaling pathway; plus strand). Cytogenetic location: 5q22.2.
Variant type: single nucleotide variant.
Coding change: c.3956C>T on transcript NM_000038.6 (MANE Select); coding-DNA position 3956, C replaced by T.
Protein change: p.Pro1319Leu; replaces proline 1319 with leucine.
Molecular consequence: missense variant.
Genome position (GRCh38, 1-based): chr5:112,839,550, C>T. VCF-style: chr5-112839550-C-T. GRCh37 (hg19) VCF-style: chr5-112175247-C-T.
Other names: c.3956C>T, p.Pro1319Leu (NM_001127510.3, NM_001354895.2); c.3902C>T, p.Pro1301Leu (NM_001127511.3); c.4010C>T, p.Pro1337Leu (NM_001354896.2); c.3986C>T, p.Pro1329Leu (NM_001354897.2); c.3881C>T, p.Pro1294Leu (NM_001354898.2); c.3872C>T, p.Pro1291Leu (NM_001354899.2); c.3833C>T, p.Pro1278Leu (NM_001354900.2); c.3779C>T, p.Pro1260Leu (NM_001354901.2); and 6 more; short protein forms P1193L, P1228L, P1294L, P1218L, P1278L, P1337L, P1036L, P1159L.
Identifiers: ClinVar variation 1043149 (VCV001043149.11), dbSNP rs1765568179, ClinGen allele CA16030012.